The following is an entry in ClinVar:

ClinVar aggregate classification (germline): Likely benign. Review status: criteria provided, single submitter (1 of 4 stars). 3 submissions from 3 submitters: Likely benign (1). 2 of the submissions do not count toward it. Last evaluated 2026-01-14.

Conditions:
ACSF3-related disorder. Also called: ACSF3-related condition.
Combined malonic and methylmalonic acidemia. Identifiers: Orphanet 289504, MedGen C3280314, MONDO:0013661, OMIM 614265.

Allele frequency attached by ClinVar (database versions not stated): ESP Exome Variant Server 0.00008; gnomAD 0.00009 and 0.00012; gnomAD exomes 0.00011 and 0.00021; TOPMed 0.00023; ExAC 0.00025.
gnomAD v4.1: 182 of 1,613,670 alleles (0.011%); highest among the groups gnomAD compares: East Asian, 0.23%; no homozygotes.

Submissions (3):

Labcorp Genetics (formerly Invitae), Labcorp
Classification: Likely benign for Combined malonic and methylmalonic acidemia. Last evaluated: 2026-01-14. Review status: criteria provided, single submitter. Criteria: Invitae Variant Classification Sherloc (09022015). Collection method: clinical testing. Allele origin: germline.

Natera, Inc.
Classification: Uncertain significance for Combined malonic and methylmalonic aciduria. Last evaluated: 2020-05-01. Review status: no assertion criteria provided. Collection method: clinical testing. Allele origin: germline. Not counted in ClinVar's aggregate classification.

PreventionGenetics, part of Exact Sciences
Classification: Likely benign for ACSF3-related condition. Last evaluated: 2019-02-21. Review status: no assertion criteria provided. Collection method: clinical testing. Allele origin: germline. Not counted in ClinVar's aggregate classification.
Comment: This variant is classified as likely benign based on ACMG/AMP sequence variant interpretation guidelines (Richards et al. 2015 PMID: 25741868, with internal and published modifications).

NM_001243279.3(ACSF3):c.672C>T (p.Thr224=)

Gene: ACSF3 (acyl-CoA synthetase family member 3; plus strand). Cytogenetic location: 16q24.3.
Variant type: single nucleotide variant.
Coding change: c.672C>T on transcript NM_001243279.3 (MANE Select); coding-DNA position 672, C replaced by T.
Protein change: p.Thr224=; no amino-acid change (threonine 224 retained).
Molecular consequence: synonymous variant. On other transcripts: 5 prime UTR variant (1), non-coding transcript variant (3).
Genome position (GRCh38, 1-based): chr16:89,102,609, C>T. VCF-style: chr16-89102609-C-T. GRCh37 (hg19) VCF-style: chr16-89169017-C-T.
Other names: c.672C>T, p.Thr224= (NM_001127214.4, NM_174917.5); c.-124C>T (NM_001284316.2).
Identifiers: ClinVar variation 714961 (VCV000714961.13), dbSNP rs150374081, ClinGen allele CA8237760.
Genomic context (GRCh38, chr16:89,102,609, plus strand): 5'-CTGTTGCGGGCCACAGTCTTGCTCTTGCTCTCAGCTGTGCTCTCGTCCCCTGCAGGTGAC[C>T]GGGCTGGTCCACAAGTGGGCATGGACCAAAGACGACGTGATCCTCCACGTGCTCCCGCTG-3'
Protein context (NP_001230208.1, residues 214-234): STHQNIRAVV[Thr224=]GLVHKWAWTK